The following is an entry in ClinVar:

NM_000321.3(RB1):c.1083C>A (p.Asn361Lys)

Gene: RB1 (RB transcriptional corepressor 1; plus strand). Cytogenetic location: 13q14.2.
Variant type: single nucleotide variant.
Coding change: c.1083C>A on transcript NM_000321.3 (MANE Select); coding-DNA position 1083, C replaced by A.
Protein change: p.Asn361Lys; replaces asparagine 361 with lysine.
Molecular consequence: missense variant.
Genome position (GRCh38, 1-based): chr13:48,368,560, C>A. VCF-style: chr13-48368560-C-A. GRCh37 (hg19) VCF-style: chr13-48942696-C-A.
Other names: short protein forms N361K.
Identifiers: ClinVar variation 577206 (VCV000577206.13), dbSNP rs976503237, ClinGen allele CA388161199.
Genomic context (GRCh38, chr13:48,368,560, plus strand): 5'-TGAATGACTTCACTTATTGTTATTTAGTTTTGAAACACAGAGAACACCACGAAAAAGTAA[C>A]CTTGATGAAGAGGTGAATGTAATTCCTCCACACACTCCAGTTAGGTATGAATTTTCCTAC-3'
Protein context (NP_000312.2, residues 351-371): FETQRTPRKS[Asn361Lys]LDEEVNVIPP

ClinVar aggregate classification (germline): Conflicting classifications of pathogenicity. Review status: criteria provided, conflicting classifications (1 of 4 stars). 3 submissions from 3 submitters: Uncertain significance (1); Likely benign (2). Last evaluated 2026-06-18.

Conditions:
Hereditary cancer-predisposing syndrome. Also called: Neoplastic Syndromes, Hereditary; Hereditary Cancer Syndrome; Hereditary neoplastic syndrome; Tumor predisposition. Identifiers: Orphanet 140162, MedGen C0027672, MeSH D009386, MONDO:0015356.
Retinoblastoma (RB1). Also called: RETINOBLASTOMA, SOMATIC. Identifiers: Orphanet 790, MedGen C0035335, MeSH D012175, MONDO:0008380, OMIM 180200, HP:0009919. Disease mechanism: loss of function. Inheritance: Both sporadic and heritable forms are tested..

Allele frequency attached by ClinVar (database versions not stated): gnomAD exomes 0.00002.
gnomAD v4.1: 11 of 1,613,330 alleles (0.00068%); highest among the groups gnomAD compares: South Asian, 0.012%; no homozygotes.

Submissions (3):

Myriad Genetics, Inc.
Classification: Likely benign for Retinoblastoma. Last evaluated: 2026-06-18. Review status: criteria provided, single submitter. Criteria: Myriad Autosomal Dominant, Autosomal Recessive and X-Linked Classification Criteria (2023). Collection method: clinical testing. Allele origin: unknown.
Comment: This variant is considered likely benign. This variant has been observed at a population frequency that is significantly greater than expected given the associated disease prevalence and penetrance.

Labcorp Genetics (formerly Invitae), Labcorp
Classification: Uncertain significance for Retinoblastoma. Last evaluated: 2025-09-28. Review status: criteria provided, single submitter. Criteria: Invitae Variant Classification Sherloc (09022015). Collection method: clinical testing. Allele origin: germline.
Comment: This sequence change replaces asparagine, which is neutral and polar, with lysine, which is basic and polar, at codon 361 of the RB1 protein (p.Asn361Lys). This variant is present in population databases (no rsID available, gnomAD 0.01%). This variant has not been reported in the literature in individuals affected with RB1-related conditions. ClinVar contains an entry for this variant (Variation ID: 577206). Invitae Evidence Modeling of protein sequence and biophysical properties (such as structural, functional, and spatial information, amino acid conservation, physicochemical variation, residue mobility, and thermodynamic stability) indicates that this missense variant is not expected to disrupt RB1 protein function with a negative predictive value of 80%. In summary, the available evidence is currently insufficient to determine the role of this variant in disease. Therefore, it has been classified as a Variant of Uncertain Significance.

Ambry Genetics
Classification: Likely benign for Hereditary cancer-predisposing syndrome. Last evaluated: 2023-10-13. Review status: criteria provided, single submitter. Criteria: Ambry Variant Classification Scheme 2023. Collection method: clinical testing. Allele origin: germline.